The following is an entry in ClinVar:

NC_000010.11:g.(?_86755016)_(86756919_?)del

Genes: BMPR1A (bone morphogenetic protein receptor type 1A; plus strand), LOC130004245 (ATAC-STARR-seq lymphoblastoid silent region 2573; plus strand). Cytogenetic location: 10q23.2.
Variant type: Deletion.
Identifiers: ClinVar variation 658440 (VCV000658440.11).

ClinVar aggregate classification (germline): Likely pathogenic. Review status: criteria provided, single submitter (1 of 4 stars). 2 submissions from 1 submitter: Likely pathogenic (2). Last evaluated 2023-03-24.

Conditions:
Generalized juvenile polyposis/juvenile polyposis coli. Also called: Juvenile polyposis coli. Identifiers: Orphanet 329971, MedGen C1868081, MONDO:0008276.
Juvenile polyposis syndrome (JPS). Identifiers: Orphanet 2929, MedGen C0345893, MONDO:0017380, OMIM 174900.

Submissions (2):

Labcorp Genetics (formerly Invitae), Labcorp
Classification: Likely pathogenic for Juvenile polyposis syndrome. Last evaluated: 2023-03-24. Review status: criteria provided, single submitter. Criteria: Invitae Variant Classification Sherloc (09022015). Collection method: clinical testing. Allele origin: germline.
Comment: In summary, the currently available evidence indicates that the variant is pathogenic, but additional data are needed to prove that conclusively. Therefore, this variant has been classified as Likely Pathogenic. The region of the BMPR1A gene that includes the promoter/non-coding exon 1 has been determined to be clinically significant (PMID: 20843829, 21872883). Therefore, deletions that encompass that region are likely to be disease-causing. Experimental studies have shown that a similar copy number variant affects BMPR1A function (PMID: 20843829). Algorithms developed to predict the effect of variants on protein structure and function are not available or were not evaluated for this variant. A similar copy number variant has been observed in individual(s) with BMPR1A-related conditions (PMID: 20843829, 22067610). This variant is a gross deletion that occurs in a non-coding region of the BMPR1A gene. It does not change the encoded amino acid sequence of the BMPR1A protein.

Labcorp Genetics (formerly Invitae), Labcorp
Classification: Likely pathogenic for Juvenile polyposis syndrome. Last evaluated: 2019-07-29. Review status: criteria provided, single submitter. Criteria: Invitae Variant Classification Sherloc (09022015). Collection method: clinical testing. Allele origin: germline.
Comment: This variant is a gross deletion of the genomic region encompassing the promoter of the BMPR1A gene. The 5' end of this event is unknown as it extends beyond the assayed region for this gene, and therefore may encompass additional genes. The 3' boundary is likely confined to the region between non-coding exon 1 and non-coding exon 2. A genomic deletion involving the promoter (non-coding exon 1) region has been reported to segregate with BMPR1A-related disease in a single family (PMID: 20843829). A similar deletion involving the promoter region has also been reported an individual with congenital heart defect who was pending for juvenile polyposis (JP) screening (PMID: 22067610). Experimental studies have shown that deletion of this promoter region impairs the transcription of a reporter gene in vitro, and protein samples derived from individuals carrying this variant showed reduced BMPR1A protein levels compared to a control sample (PMID: 20843829). In summary, the currently available evidence indicates that the variant is pathogenic, but additional data are needed to prove that conclusively. Therefore, this variant has been classified as Likely Pathogenic.

Literature cited by the submitters: PubMed 20843829; PubMed 21872883; PubMed 22067610.